The following is an entry in ClinVar:

NM_000214.3(JAG1):c.403C>A (p.Leu135Ile)

Gene: JAG1 (jagged canonical Notch ligand 1; minus strand). Cytogenetic location: 20p12.2.
Variant type: single nucleotide variant.
Coding change: c.403C>A on transcript NM_000214.3 (MANE Select); coding-DNA position 403, C replaced by A.
Protein change: p.Leu135Ile; replaces leucine 135 with isoleucine.
Molecular consequence: missense variant.
Genome position (GRCh38, 1-based): chr20:10,663,999, G>T on the plus strand (C>A on the coding strand, the complement: JAG1 is on the minus strand). VCF-style: chr20-10663999-G-T. GRCh37 (hg19) VCF-style: chr20-10644647-G-T.
Other names: short protein forms L135I.
Identifiers: ClinVar variation 3573301 (VCV003573301.2).

Conditions:
Arteriohepatic dysplasia. Also called: Alagille Syndrome. Identifiers: Orphanet 52, MedGen C0085280, MeSH D016738, MONDO:0007318.

Submission:

Gilbert/Spinner Lab, Children's Hospital of Philadelphia
No classification provided (evidence only). Condition: Alagille syndrome. Review status: no classification provided. Collection method: research. Allele origin: not applicable. Functional consequence: functionally_abnormal.
ClinVar note: "not provided" was previously submitted as the classification for the variant. However, the classification appeared to be based only on an observation of functional data so it was converted to no classification on 2025-07-30.